The following is an entry in ClinVar:

NM_080916.3(DGUOK):c.143-19C>T

Gene: DGUOK (deoxyguanosine kinase; plus strand). Cytogenetic location: 2p13.1.
Variant type: single nucleotide variant.
Coding change: c.143-19C>T on transcript NM_080916.3 (MANE Select); 19 bases into the intron before coding-DNA position 143, C replaced by T.
Molecular consequence: intron variant.
Genome position (GRCh38, 1-based): chr2:73,938,891, C>T. VCF-style: chr2-73938891-C-T. GRCh37 (hg19) VCF-style: chr2-74166018-C-T.
Other names: c.-37+6208C>T (NM_001318861.2, NM_001318862.2); c.143-19C>T (NM_080918.3, NM_001318859.2); c.-36-7828C>T (NM_001318860.2, NM_001318863.2).
Identifiers: ClinVar variation 3029419 (VCV003029419.2), dbSNP rs1681681568, ClinGen allele CA1032231710.
Genomic context (GRCh38, chr2:73,938,891, plus strand): 5'-TTGTGGCAGAGTTTAGTAGCAGCCTTCTCCTTCAGCCCTGATTTGGGAAGCATCCCAATA[C>T]ATGCTATTTGCATTGCAGCTGTGGGAAAGTCCACGTTTGTGAAGTTACTCACGAAAACTT-3'

ClinVar aggregate classification (germline): Likely benign (0 of 4 stars; one submission).

Conditions:
DGUOK-related disorder. Also called: DGUOK-related condition.

Allele frequency attached by ClinVar (database versions not stated): gnomAD 0.00001; TOPMed 0.00001.

Submission:

PreventionGenetics, part of Exact Sciences
Classification: Likely benign for DGUOK-related condition. Last evaluated: 2023-02-20. Review status: no assertion criteria provided. Collection method: clinical testing. Allele origin: germline.
Comment: This variant is classified as likely benign based on ACMG/AMP sequence variant interpretation guidelines (Richards et al. 2015 PMID: 25741868, with internal and published modifications).